The following is an entry in ClinVar:

NM_023067.4(FOXL2):c.942del (p.Ala315fs)

Gene: FOXL2 (forkhead box L2; minus strand). Cytogenetic location: 3q22.3.
Variant type: Deletion.
Coding change: c.942del on transcript NM_023067.4 (MANE Select); coding-DNA position 942, one base deleted (C; older notation c.942delC).
Protein change: p.Ala315fs; shifts the reading frame from alanine 315.
Molecular consequence: frameshift variant.
Genome position (GRCh38, 1-based): chr3:138,945,781, G deleted on the plus strand (C on the coding strand, the reverse complement: FOXL2 is on the minus strand); the first of 2 consecutive G bases (chr3:138,945,781-138,945,782); deleting either gives the same sequence. VCF-style (leftmost placement, unchanged base first): chr3-138945780-CG-C. GRCh37 (hg19) VCF-style: chr3-138664622-CG-C.
Other names: short protein forms A315fs.
Identifiers: ClinVar variation 3658681 (VCV003658681.2).

ClinVar aggregate classification (germline): Likely pathogenic (1 of 4 stars; one submission).

Submission:

Labcorp Genetics (formerly Invitae), Labcorp
Classification: Likely pathogenic. Last evaluated: 2024-07-03. Review status: criteria provided, single submitter. Criteria: Invitae Variant Classification Sherloc (09022015). Collection method: clinical testing. Allele origin: germline.
Comment: This sequence change creates a premature translational stop signal (p.Ala315Profs*41) in the FOXL2 gene. While this is not anticipated to result in nonsense mediated decay, it is expected to disrupt the last 62 amino acid(s) of the FOXL2 protein. The frequency data for this variant in the population databases is considered unreliable, as metrics indicate insufficient coverage at this position in the gnomAD database. This premature translational stop signal has been observed in individual(s) with clinical features of blepharophimosis, ptosis, and epicanthus inversus syndrome (Invitae). This variant disrupts a region of the FOXL2 protein in which other variant(s) (p.Glu352Aspfs*4) have been observed in individuals with FOXL2-related conditions (PMID: 18642388). This suggests that this is a clinically significant region of the protein, and that variants that disrupt it are likely to be disease-causing. In summary, the currently available evidence indicates that the variant is pathogenic, but additional data are needed to prove that conclusively. Therefore, this variant has been classified as Likely Pathogenic.

Literature cited by the submitters: PubMed 18642388.